The following is an entry in ClinVar:

NM_024422.6(DSC2):c.1259T>C (p.Val420Ala)

Gene: DSC2 (desmocollin 2; minus strand). Cytogenetic location: 18q12.1.
Variant type: single nucleotide variant.
Coding change: c.1259T>C on transcript NM_024422.6 (MANE Select); coding-DNA position 1259, T replaced by C.
Protein change: p.Val420Ala; replaces valine 420 with alanine.
Molecular consequence: missense variant.
Genome position (GRCh38, 1-based): chr18:31,082,242, A>G on the plus strand (T>C on the coding strand, the complement: DSC2 is on the minus strand). VCF-style: chr18-31082242-A-G. GRCh37 (hg19) VCF-style: chr18-28662208-A-G.
Other names: c.830T>C, p.Val277Ala (NM_001406506.1, NM_001406507.1); c.1259T>C, p.Val420Ala (NM_004949.5); short protein forms V277A, V420A.
Identifiers: ClinVar variation 4613996 (VCV004613996.3).

ClinVar aggregate classification (germline): Uncertain significance. Review status: criteria provided, multiple submitters, no conflicts (2 of 4 stars). 2 submissions from 2 submitters: Uncertain significance (2). Last evaluated 2026-08-05.

Conditions:
Arrhythmogenic right ventricular dysplasia 11. Also called: Arrhythmogenic Right Ventricular Dysplasia/Cardiomyopathy11; ARRHYTHMOGENIC RIGHT VENTRICULAR DYSPLASIA, FAMILIAL, 11; Arrhythmogenic right ventricular dysplasia 11 with mild palmoplantar keratoderma and woolly hair. Identifiers: MedGen C1864850, MONDO:0012506, OMIM 610476.
Cardiovascular phenotype. Identifiers: MedGen CN230736.

gnomAD v4.1: 2 of 1,612,712 alleles (0.00012%); highest among the groups gnomAD compares: East Asian, 0.0045%; no homozygotes.

Submissions (2):

Ambry Genetics
Classification: Uncertain significance for Cardiovascular phenotype. Last evaluated: 2026-08-05. Review status: criteria provided, single submitter. Criteria: Ambry Variant Classification Scheme 2023. Collection method: clinical testing. Allele origin: germline.

Labcorp Genetics (formerly Invitae), Labcorp
Classification: Uncertain significance for Arrhythmogenic right ventricular dysplasia 11. Last evaluated: 2025-08-03. Review status: criteria provided, single submitter. Criteria: Invitae Variant Classification Sherloc (09022015). Collection method: clinical testing. Allele origin: germline.
Comment: This sequence change replaces valine, which is neutral and non-polar, with alanine, which is neutral and non-polar, at codon 420 of the DSC2 protein (p.Val420Ala). This variant is not present in population databases (gnomAD no frequency). This variant has not been reported in the literature in individuals affected with DSC2-related conditions. Invitae Evidence Modeling of protein sequence and biophysical properties (such as structural, functional, and spatial information, amino acid conservation, physicochemical variation, residue mobility, and thermodynamic stability) has been performed for this missense variant. However, the output from this modeling did not meet the statistical confidence thresholds required to predict the impact of this variant on DSC2 protein function. In summary, the available evidence is currently insufficient to determine the role of this variant in disease. Therefore, it has been classified as a Variant of Uncertain Significance.